The following is an entry in ClinVar:

ClinVar aggregate classification (germline): Uncertain significance (1 of 4 stars; one submission).

Conditions:
Inborn genetic diseases. Identifiers: MedGen C0950123, MeSH D030342.

Submission:

Ambry Genetics
Classification: Uncertain significance for Inborn genetic diseases. Last evaluated: 2022-02-23. Review status: criteria provided, single submitter. Criteria: Ambry Variant Classification Scheme 2023. Collection method: clinical testing. Allele origin: germline.
Comment: The c.919_920dupCA (p.Q307Hfs*7) alteration, located in exon 8 (coding exon 7) of the HNRNPR gene, consists of a duplication of CA at position 919, causing a translational frameshift with a predicted alternate stop codon after 7 amino acids. This alteration is expected to result in loss of function by premature protein truncation or nonsense-mediated mRNA decay. However, loss-of-function of HNRNPR has not been established as a mechanism of disease. This variant was not reported in population-based cohorts in the Genome Aggregation Database (gnomAD). Based on insufficient or conflicting evidence, the clinical significance of this alteration remains unclear.

NM_005826.5(HNRNPR):c.910_911dup (p.Gln304fs)

Gene: HNRNPR (heterogeneous nuclear ribonucleoprotein R; minus strand). Cytogenetic location: 1p36.12.
Variant type: Microsatellite.
Coding change: c.910_911dup on transcript NM_005826.5 (MANE Select); coding-DNA positions 910 to 911, 2 bases duplicated (CA; older notation c.910_911dupCA).
Protein change: p.Gln304fs; shifts the reading frame from glutamine 304.
Molecular consequence: frameshift variant.
Genome position (GRCh38, 1-based): chr1:23,318,589-23,318,590, TG duplicated on the plus strand (CA on the coding strand, the reverse complement: HNRNPR is on the minus strand); duplicating any 2 consecutive bases within chr1:23,318,589-23,318,592 gives the same sequence; the c. name uses the placement nearest the transcript's 3' end. VCF-style (leftmost placement, unchanged base first): chr1-23318588-T-TTG. GRCh37 (hg19) VCF-style: chr1-23645081-T-TTG.
Other names: c.607_608dup, p.Gln203fs (NM_001102397.3); c.919_920dup, p.Gln307fs (NM_001102398.3); c.616_617dup, p.Gln206fs (NM_001102399.3); c.796_797dup, p.Gln266fs (NM_001297620.2); c.430_431dup, p.Gln144fs (NM_001297621.2); c.493_494dup, p.Gln165fs (NM_001297622.2); short protein forms Q165fs, Q266fs, Q304fs, Q206fs, Q307fs, Q144fs, Q203fs.
Identifiers: ClinVar variation 2272367 (VCV002272367.2), dbSNP rs2523841703, ClinGen allele CA2580611427.